The following is an entry in ClinVar:

NM_003630.3(PEX3):c.74-5T>A

Gene: PEX3 (peroxisomal biogenesis factor 3; plus strand). Cytogenetic location: 6q24.2.
Variant type: single nucleotide variant.
Coding change: c.74-5T>A on transcript NM_003630.3 (MANE Select); 5 bases into the intron before coding-DNA position 74, T replaced by A.
Molecular consequence: intron variant.
Genome position (GRCh38, 1-based): chr6:143,459,080, T>A. VCF-style: chr6-143459080-T-A. GRCh37 (hg19) VCF-style: chr6-143780217-T-A.
Identifiers: ClinVar variation 2046977 (VCV002046977.4), dbSNP rs1779884420, ClinGen allele CA2580075162.
Genomic context (GRCh38, chr6:143,459,080, plus strand): 5'-GGTTAAAAATACTGTGTAGAATTTTTGGTACTCTAATGAATATAGTACTTTTTTAATGAT[T>A]GTAGGAGTATATATTCTGGGGAAATATGGACAGAAGAAAATCAGAGAAATACAGGAAAGG-3'

ClinVar aggregate classification (germline): Uncertain significance (1 of 4 stars; one submission).

Submission:

Labcorp Genetics (formerly Invitae), Labcorp
Classification: Uncertain significance. Last evaluated: 2021-12-18. Review status: criteria provided, single submitter. Criteria: Invitae Variant Classification Sherloc (09022015). Collection method: clinical testing. Allele origin: germline.
Comment: This sequence change falls in intron 1 of the PEX3 gene. It does not directly change the encoded amino acid sequence of the PEX3 protein. In summary, the available evidence is currently insufficient to determine the role of this variant in disease. Therefore, it has been classified as a Variant of Uncertain Significance. Algorithms developed to predict the effect of sequence changes on RNA splicing suggest that this variant may disrupt the consensus splice site. This variant has not been reported in the literature in individuals affected with PEX3-related conditions. This variant is not present in population databases (gnomAD no frequency).